The following is an entry in ClinVar:

ClinVar aggregate classification (germline): Pathogenic (1 of 4 stars; one submission).

Conditions:
Inborn genetic diseases. Identifiers: MedGen C0950123, MeSH D030342.

Submission:

Ambry Genetics
Classification: Pathogenic for Inborn genetic diseases. Last evaluated: 2026-06-23. Review status: criteria provided, single submitter. Criteria: Ambry Variant Classification Scheme 2023. Collection method: clinical testing. Allele origin: germline.
Comment: The p.E197* pathogenic mutation (also known as c.589G>T), located in coding exon 5 of the ETV6 gene, results from a G to T substitution at nucleotide position 589. This changes the amino acid from a glutamic acid to a stop codon within coding exon 5. This variant is considered to be rare based on population cohorts in the Genome Aggregation Database (gnomAD). This variant is expected to result in loss of function by premature protein truncation or nonsense-mediated mRNA decay. As such, this alteration is interpreted as a disease-causing mutation.

NM_001987.5(ETV6):c.589G>T (p.Glu197Ter)

Gene: ETV6 (ETS variant transcription factor 6; plus strand). Cytogenetic location: 12p13.2.
Variant type: single nucleotide variant.
Coding change: c.589G>T on transcript NM_001987.5 (MANE Select); coding-DNA position 589, G replaced by T.
Protein change: p.Glu197Ter; replaces glutamic acid 197 with a stop codon.
Molecular consequence: nonsense.
Genome position (GRCh38, 1-based): chr12:11,869,549, G>T. VCF-style: chr12-11869549-G-T. GRCh37 (hg19) VCF-style: chr12-12022483-G-T.
Other names: c.586G>T, p.Glu196Ter (NM_001413913.1); c.562G>T, p.Glu188Ter (NM_001413914.1); c.325G>T, p.Glu109Ter (NM_001413915.1); c.589G>T, p.Glu197Ter (NM_001413916.1, NM_001413917.1); short protein forms E109*, E188*, E196*, E197*.
Identifiers: ClinVar variation 5036146 (VCV005036146.1).